The following is an entry in ClinVar:

ClinVar aggregate classification (germline): Uncertain significance (1 of 4 stars; one submission).

gnomAD v4.1: 8 of 1,613,790 alleles (0.0005%); highest among the groups gnomAD compares: Non-Finnish European, 0.00068%; no homozygotes.

Submission:

Ambry Genetics
Classification: Uncertain significance. Last evaluated: 2025-07-16. Review status: criteria provided, single submitter. Criteria: Ambry Variant Classification Scheme 2023. Collection method: clinical testing. Allele origin: germline.
Comment: The p.G368A variant (also known as c.1103G>C), located in coding exon 8 of the ATRIP gene, results from a G to C substitution at nucleotide position 1103. The glycine at codon 368 is replaced by alanine, an amino acid with similar properties. This amino acid position is conserved. In addition, this alteration is predicted to be tolerated by in silico analysis. Based on the available evidence, the clinical significance of this variant remains unclear.

NM_130384.3(ATRIP):c.1103G>C (p.Gly368Ala)

Genes: ATRIP (ATR interacting protein; plus strand), ATRIP-TREX1 (ATRIP-TREX1 readthrough; plus strand). Cytogenetic location: 3p21.31.
Variant type: single nucleotide variant.
Coding change: c.1103G>C on transcript NM_130384.3 (MANE Select); coding-DNA position 1103, G replaced by C.
Protein change: p.Gly368Ala; replaces glycine 368 with alanine.
Molecular consequence: missense variant. On other transcripts: non-coding transcript variant (1).
Genome position (GRCh38, 1-based): chr3:48,460,157, G>C. VCF-style: chr3-48460157-G-C. GRCh37 (hg19) VCF-style: chr3-48501556-G-C.
Other names: c.722G>C, p.Gly241Ala (NM_001271022.2); c.824G>C, p.Gly275Ala (NM_001271023.2); c.1103G>C, p.Gly368Ala (NM_032166.4); short protein forms G241A, G275A, G368A.
Identifiers: ClinVar variation 4182145 (VCV004182145.1).